The following is an entry in ClinVar:

ClinVar aggregate classification (germline): Uncertain significance. Review status: criteria provided, multiple submitters, no conflicts (2 of 4 stars). 2 submissions from 2 submitters: Uncertain significance (2). Last evaluated 2026-09-01.

Conditions:
Developmental and epileptic encephalopathy, 1 (DEE1). Also called: X-linked infantile spasms; West's syndrome; Tonic spasms with clustering, arrest of psychomotor development and hypsarrhythmia on EEG; X-Linked Infantile Spasm Syndrome; Epileptic encephalopathy, early infantile, 1; INFANTILE SPASM SYNDROME, X-LINKED 1. Identifiers: MedGen C3463992, MONDO:0010632, OMIM 308350. Disease mechanism: loss of function.
Autosomal dominant nonsyndromic hearing loss 65. Also called: Deafness, autosomal dominant 65; TBC1D24-Related Autosomal Dominant Nonsyndromic Hearing Loss (DFNA). Identifiers: Orphanet 90635, MedGen C3892048, MONDO:0014470, OMIM 616044.

Allele frequency attached by ClinVar (database versions not stated): gnomAD exomes below 0.00001; TOPMed below 0.00001; ExAC 0.00001; gnomAD 0.00001.
gnomAD v4.1: 12 of 1,613,900 alleles (0.00074%); highest among the groups gnomAD compares: East Asian, 0.0022%; no homozygotes.

Submissions (2):

CeGaT Center for Human Genetics Tuebingen
Classification: Uncertain significance. Last evaluated: 2026-09-01. Review status: criteria provided, single submitter. Criteria: CeGaT Center For Human Genetics Tuebingen Variant Classification Criteria Version 2. Collection method: clinical testing. Allele origin: germline. Affected: yes. Observed: 1 variant allele.
Comment: TBC1D24: PM2

Labcorp Genetics (formerly Invitae), Labcorp
Classification: Uncertain significance for Developmental and epileptic encephalopathy, 1; Autosomal dominant nonsyndromic hearing loss 65. Last evaluated: 2025-12-21. Review status: criteria provided, single submitter. Criteria: Invitae Variant Classification Sherloc (09022015). Collection method: clinical testing. Allele origin: germline.
Comment: This sequence change replaces valine, which is neutral and non-polar, with isoleucine, which is neutral and non-polar, at codon 273 of the TBC1D24 protein (p.Val273Ile). This variant is present in population databases (rs752610561, gnomAD 0.002%). This variant has not been reported in the literature in individuals affected with TBC1D24-related conditions. ClinVar contains an entry for this variant (Variation ID: 474313). Invitae Evidence Modeling of protein sequence and biophysical properties (such as structural, functional, and spatial information, amino acid conservation, physicochemical variation, residue mobility, and thermodynamic stability) indicates that this missense variant is not expected to disrupt TBC1D24 protein function with a negative predictive value of 80%. In summary, the available evidence is currently insufficient to determine the role of this variant in disease. Therefore, it has been classified as a Variant of Uncertain Significance.

NM_001199107.2(TBC1D24):c.817G>A (p.Val273Ile)

Gene: TBC1D24 (TBC1 domain family member 24; plus strand). Cytogenetic location: 16p13.3.
Variant type: single nucleotide variant.
Coding change: c.817G>A on transcript NM_001199107.2 (MANE Select); coding-DNA position 817, G replaced by A.
Protein change: p.Val273Ile; replaces valine 273 with isoleucine.
Molecular consequence: missense variant.
Genome position (GRCh38, 1-based): chr16:2,496,965, G>A. VCF-style: chr16-2496965-G-A. GRCh37 (hg19) VCF-style: chr16-2546966-G-A.
Other names: c.817G>A, p.Val273Ile (NM_020705.3); short protein forms V273I.
Identifiers: ClinVar variation 474313 (VCV000474313.42), dbSNP rs752610561, ClinGen allele CA7844077.